The following is an entry in ClinVar:

NM_020433.5(JPH2):c.1783_1788dup (p.Pro596_Ser597insAlaPro)

Gene: JPH2 (junctophilin 2; minus strand). Cytogenetic location: 20q13.12.
Variant type: Duplication.
Coding change: c.1783_1788dup on transcript NM_020433.5 (MANE Select); coding-DNA positions 1783 to 1788, 6 bases duplicated (GCGCCC; older notation c.1783_1788dupGCGCCC).
Protein change: p.Pro596_Ser597insAlaPro.
Genome position (GRCh38, 1-based): chr20:44,115,887-44,115,892, GGGCGC duplicated on the plus strand (GCGCCC on the coding strand, the reverse complement: JPH2 is on the minus strand); duplicating any 6 consecutive bases within chr20:44,115,887-44,115,894 gives the same sequence; the c. name uses the placement nearest the transcript's 3' end. VCF-style (leftmost placement, unchanged base first): chr20-44115886-A-AGGGCGC. GRCh37 (hg19) VCF-style: chr20-42744526-A-AGGGCGC.
Other names: c.1783_1788dupGCGCCC (NM_020433.5).
Identifiers: ClinVar variation 4847977 (VCV004847977.1).
Genomic context (GRCh38, chr20:44,115,886, plus strand): 5'-CGCGTGCAGGCTCGGGGCCTCGGAGCGTGGGGGCCTGCAGCGGGGCGGTGGCCGGGGACG[A>AGGGCGC]GGGCGCGGACTCGGACCCGGAGACCTCGGGCTCGGGCTGGTCCTCAAAGGGTGGGGGCTC-3'

ClinVar aggregate classification (germline): Uncertain significance (1 of 4 stars; one submission).

Submission:

Women's Health and Genetics/Laboratory Corporation of America, LabCorp
Classification: Uncertain significance. Last evaluated: 2026-02-09. Review status: criteria provided, single submitter. Criteria: LabCorp Variant Classification Summary - May 2015. Collection method: clinical testing. Allele origin: germline.
Comment: Variant summary: JPH2 c.1783_1788dupGCGCCC (p.Ala595_Pro596dup) results in an in-frame duplication that is predicted to duplicate two amino acids into the encoded protein. The variant was absent in 194482 control chromosomes (gnomAD). The available data on variant occurrences in the general population are insufficient to allow any conclusion about variant significance. c.1783_1788dupGCGCCC has been observed in one individual affected with hypertrophic cardiomyopathy (Marschall_2019). The report does not provide unequivocal conclusions about association of the variant with Cardiomyopathy. To our knowledge, no experimental evidence demonstrating an impact on protein function has been reported. The following publication have been ascertained in the context of this evaluation (PMID: 31737537). No submitters have cited clinical-significance assessments for this variant to ClinVar. Based on the evidence outlined above, the variant was classified as uncertain significance.

Literature cited by the submitters: PubMed 31737537.